The following is an entry in ClinVar:

NM_004064.5(CDKN1B):c.219G>T (p.Lys73Asn)

Gene: CDKN1B (cyclin dependent kinase inhibitor 1B; plus strand). Cytogenetic location: 12p13.1.
Variant type: single nucleotide variant.
Coding change: c.219G>T on transcript NM_004064.5 (MANE Select); coding-DNA position 219, G replaced by T.
Protein change: p.Lys73Asn; replaces lysine 73 with asparagine.
Molecular consequence: missense variant.
Genome position (GRCh38, 1-based): chr12:12,718,058, G>T. VCF-style: chr12-12718058-G-T. GRCh37 (hg19) VCF-style: chr12-12870992-G-T.
Other names: short protein forms K73N.
Identifiers: ClinVar variation 536844 (VCV000536844.15), dbSNP rs573353679, ClinGen allele CA6457415.

ClinVar aggregate classification (germline): Conflicting classifications of pathogenicity. Review status: criteria provided, conflicting classifications (1 of 4 stars). 4 submissions from 4 submitters: Uncertain significance (3); Likely benign (1). Last evaluated 2025-12-10.

Conditions:
Hereditary cancer-predisposing syndrome. Also called: Neoplastic Syndromes, Hereditary; Tumor predisposition; Hereditary Cancer Syndrome; Hereditary neoplastic syndrome. Identifiers: Orphanet 140162, MedGen C0027672, MeSH D009386, MONDO:0015356.
Multiple endocrine neoplasia type 4. Also called: MULTIPLE ENDOCRINE NEOPLASIA, TYPE IV. Identifiers: Orphanet 276152, MedGen C1970712, MONDO:0012552, OMIM 610755.

gnomAD v4.1: 23 of 1,614,274 alleles (0.0014%); highest among the groups gnomAD compares: Non-Finnish European, 0.0019%; no homozygotes.

Submissions (4):

Labcorp Genetics (formerly Invitae), Labcorp
Classification: Uncertain significance for Multiple endocrine neoplasia type 4. Last evaluated: 2025-12-10. Review status: criteria provided, single submitter. Criteria: Invitae Variant Classification Sherloc (09022015). Collection method: clinical testing. Allele origin: germline.
Comment: This sequence change replaces lysine, which is basic and polar, with asparagine, which is neutral and polar, at codon 73 of the CDKN1B protein (p.Lys73Asn). This variant is present in population databases (rs573353679, gnomAD 0.003%). This variant has not been reported in the literature in individuals affected with CDKN1B-related conditions. ClinVar contains an entry for this variant (Variation ID: 536844). An algorithm developed to predict the effect of missense changes on protein structure and function outputs the following: PolyPhen-2: "Benign". The asparagine amino acid residue is found in multiple mammalian species, which suggests that this missense change does not adversely affect protein function. In summary, the available evidence is currently insufficient to determine the role of this variant in disease. Therefore, it has been classified as a Variant of Uncertain Significance.

Center for Genomic Medicine, Rigshospitalet, Copenhagen University Hospital
Classification: Uncertain significance. Last evaluated: 2025-03-04. Review status: criteria provided, single submitter. Criteria: ACMG Guidelines, 2015. Collection method: clinical testing. Allele origin: germline.

Baylor Genetics
Classification: Uncertain significance for Multiple endocrine neoplasia type 4. Last evaluated: 2023-11-26. Review status: criteria provided, single submitter. Criteria: ACMG Guidelines, 2015. Collection method: clinical testing. Allele origin: unknown.

Ambry Genetics
Classification: Likely benign for Hereditary cancer-predisposing syndrome. Last evaluated: 2022-09-26. Review status: criteria provided, single submitter. Criteria: Ambry Variant Classification Scheme 2023. Collection method: clinical testing. Allele origin: germline.